The following is an entry in ClinVar:

NM_018706.7(DHTKD1):c.1671+4G>A

Gene: DHTKD1 (dehydrogenase E1 and transketolase domain containing 1; plus strand). Cytogenetic location: 10p14.
Variant type: single nucleotide variant.
Coding change: c.1671+4G>A on transcript NM_018706.7 (MANE Select); 4 bases into the intron after coding-DNA position 1671, G replaced by A.
Molecular consequence: intron variant.
Genome position (GRCh38, 1-based): chr10:12,098,000, G>A. VCF-style: chr10-12098000-G-A. GRCh37 (hg19) VCF-style: chr10-12139999-G-A.
Identifiers: ClinVar variation 2239603 (VCV002239603.2), dbSNP rs2491492267, ClinGen allele CA2580081323.
Genomic context (GRCh38, chr10:12,098,000, plus strand): 5'-GTAGAGGTGCCAAGAGAGCTGCAGATGCACAGTCACCTGCTGAAGACACATGTTCAGGTG[G>A]GCAGCCTCCAAATGGCTGGTTATTGCTTCTCCTTCCTGCTCAGCAAAGGAGCTGACGTTG-3'

ClinVar aggregate classification (germline): Uncertain significance (1 of 4 stars; one submission).

Conditions:
Inborn genetic diseases. Identifiers: MedGen C0950123, MeSH D030342.

Submission:

Ambry Genetics
Classification: Uncertain significance for Inborn genetic diseases. Last evaluated: 2021-09-02. Review status: criteria provided, single submitter. Criteria: Ambry Variant Classification Scheme 2023. Collection method: clinical testing. Allele origin: germline.
Comment: The c.1671+4G>A intronic alteration consists of a G to A substitution nucleotides after coding exon 8 in the DHTKD1 gene. Based on insufficient or conflicting evidence, the clinical significance of this alteration remains unclear.